The following is an entry in ClinVar:

NM_018124.4(RFWD3):c.588T>G (p.Tyr196Ter)

Gene: RFWD3 (ring finger and WD repeat domain 3; minus strand). Cytogenetic location: 16q23.1.
Variant type: single nucleotide variant.
Coding change: c.588T>G on transcript NM_018124.4 (MANE Select); coding-DNA position 588, T replaced by G.
Protein change: p.Tyr196Ter; replaces tyrosine 196 with a stop codon.
Molecular consequence: nonsense. On other transcripts: 5 prime UTR variant (4), intron variant (1).
Genome position (GRCh38, 1-based): chr16:74,652,053, A>C on the plus strand (T>G on the coding strand, the complement: RFWD3 is on the minus strand). VCF-style: chr16-74652053-A-C. GRCh37 (hg19) VCF-style: chr16-74685951-A-C.
Other names: c.588T>G, p.Tyr196Ter (NM_001370534.1, NM_001370535.1, NM_001370536.1); c.-421T>G (NM_001370537.1); c.-247T>G (NM_001370540.1); c.-298T>G (NM_001370542.1); c.-176T>G (NM_001370543.1); c.-113-2851T>G (NM_001370539.1); short protein forms Y196*.
Identifiers: ClinVar variation 3693709 (VCV003693709.2).

ClinVar aggregate classification (germline): Uncertain significance (1 of 4 stars; one submission).

Submission:

Labcorp Genetics (formerly Invitae), Labcorp
Classification: Uncertain significance. Last evaluated: 2024-08-02. Review status: criteria provided, single submitter. Criteria: Invitae Variant Classification Sherloc (09022015). Collection method: clinical testing. Allele origin: germline.
Comment: This sequence change creates a premature translational stop signal (p.Tyr196*) in the RFWD3 gene. It is expected to result in an absent or disrupted protein product. However, the current clinical and genetic evidence is not sufficient to establish whether loss-of-function variants in RFWD3 cause disease. This variant is not present in population databases (gnomAD no frequency). This variant has not been reported in the literature in individuals affected with RFWD3-related conditions. Algorithms developed to predict the effect of sequence changes on RNA splicing suggest that this variant may disrupt the consensus splice site. In summary, the available evidence is currently insufficient to determine the role of this variant in disease. Therefore, it has been classified as a Variant of Uncertain Significance.